The following is an entry in ClinVar:

ClinVar aggregate classification (germline): Benign/Likely benign. Review status: criteria provided, multiple submitters, no conflicts (2 of 4 stars). 3 submissions from 3 submitters: Benign (1); Likely benign (2). Last evaluated 2018-06-19.

Allele frequency attached by ClinVar (database versions not stated): ExAC 0.06917; 1000 Genomes Project 0.40375.

Submissions (5):

GeneDx
Classification: Benign. Last evaluated: 2018-06-19. Review status: criteria provided, single submitter. Criteria: GeneDx Variant Classification (06012015). Collection method: clinical testing. Allele origin: germline. Affected: yes.
Comment: This variant is considered likely benign or benign based on one or more of the following criteria: it is a conservative change, it occurs at a poorly conserved position in the protein, it is predicted to be benign by multiple in silico algorithms, and/or has population frequency not consistent with disease.

Breakthrough Genomics
Classification: Likely benign. Review status: criteria provided, single submitter. Criteria: ACMG Guidelines, 2015. Collection method: not provided. Allele origin: germline. Inheritance: Autosomal recessive inheritance. Affected: yes.

PreventionGenetics, part of Exact Sciences
Classification: Likely benign. Review status: criteria provided, single submitter. Criteria: ACMG Guidelines, 2015. Collection method: clinical testing. Allele origin: germline.

Dr. Peter K. Rogan Lab, Western University
No classification provided (evidence only). Condition: Acute myeloid leukemia. Review status: no classification provided. Collection method: in vitro. Allele origin: not applicable. Functional consequence: retained intron. Not counted in ClinVar's aggregate classification.

Dr. Peter K. Rogan Lab, Western University
No classification provided (evidence only). Condition: Thymoma. Review status: no classification provided. Collection method: in vitro. Allele origin: not applicable. Functional consequence: retained intron. Not counted in ClinVar's aggregate classification.

NM_000231.3(SGCG):c.579-22G>T

Gene: SGCG (sarcoglycan gamma; plus strand). Cytogenetic location: 13q12.12.
Variant type: single nucleotide variant.
Coding change: c.579-22G>T on transcript NM_000231.3 (MANE Select); 22 bases into the intron before coding-DNA position 579, G replaced by T.
Molecular consequence: intron variant.
Genome position (GRCh38, 1-based): chr13:23,320,615, G>T. VCF-style: chr13-23320615-G-T. GRCh37 (hg19) VCF-style: chr13-23894754-G-T.
Other names: c.633-22G>T (NM_001378244.1); c.579-22G>T (NM_001378245.1, NM_001378246.1).
Identifiers: ClinVar variation 255603 (VCV000255603.4), dbSNP rs111358030, ClinGen allele CA6909785.